The following is an entry in ClinVar:

ClinVar aggregate classification (germline): Uncertain significance (1 of 4 stars; one submission).

Conditions:
Malignant hyperthermia, susceptibility to, 1 (MHS1). Also called: Anesthesia related hyperthermia; Malignant hyperpyrexia; Fulminating hyperpyrexia; Pharmacogenic myopathy; RYR1-Related Malignant Hyperthermia Susceptibility; Malignant hyperthermia suceptibility 1. Identifiers: Orphanet 423, MedGen C2930980, MONDO:0007783, OMIM 145600.

Submission:

All of Us Research Program, National Institutes of Health
Classification: Uncertain significance for Malignant hyperthermia, susceptibility to, 1. Last evaluated: 2024-03-21. Review status: criteria provided, single submitter. Criteria: ACMG Guidelines, 2015. Collection method: clinical testing. Allele origin: germline. Inheritance: Autosomal dominant inheritance. Observed: 1 variant allele, 1 heterozygote.
Comment: This study involves interpretation of variants in research participants for the purpose of population health screening. Participant phenotype was not available at the time of variant classification. Additional details can be found in publication PMID: 35346344, PMCID: PMC8962531

NM_000540.3(RYR1):c.3029A>G (p.Gln1010Arg)

Gene: RYR1 (ryanodine receptor 1; plus strand). Cytogenetic location: 19q13.2.
Variant type: single nucleotide variant.
Coding change: c.3029A>G on transcript NM_000540.3 (MANE Select); coding-DNA position 3029, A replaced by G.
Protein change: p.Gln1010Arg; replaces glutamine 1010 with arginine.
Molecular consequence: missense variant.
Genome position (GRCh38, 1-based): chr19:38,466,249, A>G. VCF-style: chr19-38466249-A-G. GRCh37 (hg19) VCF-style: chr19-38956889-A-G.
Other names: c.3029A>G, p.Gln1010Arg (NM_001042723.2); short protein forms Q1010R.
Identifiers: ClinVar variation 3387678 (VCV003387678.1).